The following is an entry in ClinVar:

ClinVar aggregate classification (germline): Likely benign. Review status: criteria provided, multiple submitters, no conflicts (2 of 4 stars). 2 submissions from 2 submitters: Likely benign (2). Last evaluated 2025-10-01.

Allele frequency attached by ClinVar (database versions not stated): ESP Exome Variant Server 0.00008; 1000 Genomes Project 30x 0.00016; ExAC 0.00018; gnomAD 0.00019; 1000 Genomes Project 0.00020; gnomAD exomes 0.00020; TOPMed 0.00031.
gnomAD v4.1: 327 of 1,610,992 alleles (0.02%); highest among the groups gnomAD compares: Admixed American, 0.053%; no homozygotes.

Submissions (2):

Labcorp Genetics (formerly Invitae), Labcorp
Classification: Likely benign. Last evaluated: 2025-10-01. Review status: criteria provided, single submitter. Criteria: Invitae Variant Classification Sherloc (09022015). Collection method: clinical testing. Allele origin: germline.

Mayo Clinic Laboratories, Mayo Clinic
Classification: Likely benign. Last evaluated: 2025-07-21. Review status: criteria provided, single submitter. Criteria: ACMG Guidelines, 2015. Collection method: clinical testing. Allele origin: germline. Observed: 1 variant allele.
Comment: BP4, BP7, PM2_supporting

NM_001256071.3(RNF213):c.10423+9C>T

Genes: RNF213 (ring finger protein 213; plus strand), RNF213-AS1 (RNF213 antisense RNA 1; minus strand). Cytogenetic location: 17q25.3.
Variant type: single nucleotide variant.
Coding change: c.10423+9C>T on transcript NM_001256071.3 (MANE Select); 9 bases into the intron after coding-DNA position 10423, C replaced by T.
Molecular consequence: intron variant. On other transcripts: non-coding transcript variant (1).
Genome position (GRCh38, 1-based): chr17:80,353,068, C>T. VCF-style: chr17-80353068-C-T. GRCh37 (hg19) VCF-style: chr17-78326868-C-T.
Other names: p.?; c.10570+9C>T (NM_020914.5, NM_001410195.1).
Identifiers: ClinVar variation 2715710 (VCV002715710.4), dbSNP rs373021348, ClinGen allele CA8821425.
Genomic context (GRCh38, chr17:80,353,068, plus strand): 5'-CTGCAGCATGTCACCATCAGCCAGCTGTTCGCGCCCGGAGACTTGCCTGAGCGTGAGTCA[C>T]GAGGCGGAGCCCCTGGGGGAGCAGGTGGTGGAAGGGCAGATGGCAGGTGTGGAGCGTGGC-3'